The following is an entry in ClinVar:

ClinVar aggregate classification (germline): Likely pathogenic (1 of 4 stars; one submission).

Conditions:
Joubert syndrome and related disorders. Identifiers: Orphanet 140874, MedGen C5679612, MONDO:0015369.

Submission:

Women's Health and Genetics/Laboratory Corporation of America, LabCorp
Classification: Likely pathogenic for Joubert syndrome and related disorders. Last evaluated: 2023-01-04. Review status: criteria provided, single submitter. Criteria: LabCorp Variant Classification Summary - May 2015. Collection method: clinical testing. Allele origin: germline.
Comment: Variant summary: KIF14 c.8dupT (p.Leu3PhefsX6) results in a premature termination codon, predicted to cause a truncation of the encoded protein or absence of the protein due to nonsense mediated decay, which are commonly known mechanisms for disease. Alternatively, N-terminal truncation or extention of the encoded protein can also occur due to next downstream in-frame potential start site at Met44. Truncations downstream of this position have been associated with kidney disease, microcephaly and intellectual disability in HGMD. The variant was absent in 241384 control chromosomes. To our knowledge, no occurrence of c.8dupT in individuals affected with Joubert Syndrome And Related Disorders and no experimental evidence demonstrating its impact on protein function have been reported. No clinical diagnostic laboratories have submitted clinical-significance assessments for this variant to ClinVar after 2014. Based on the evidence outlined above, the variant was classified as likely pathogenic.

NM_014875.3(KIF14):c.8dup (p.Leu3fs)

Gene: KIF14 (kinesin family member 14; minus strand). Cytogenetic location: 1q32.1.
Variant type: Duplication.
Coding change: c.8dup on transcript NM_014875.3 (MANE Select); coding-DNA position 8, one base duplicated (T; older notation c.8dupT).
Protein change: p.Leu3fs; shifts the reading frame from leucine 3.
Molecular consequence: frameshift variant. On other transcripts: 5 prime UTR variant (1).
Genome position (GRCh38, 1-based): chr1:200,618,716, A duplicated on the plus strand (T on the coding strand, the reverse complement: KIF14 is on the minus strand); the first of 2 consecutive A bases (chr1:200,618,716-200,618,717); duplicating either gives the same sequence. VCF-style (leftmost placement, unchanged base first): chr1-200618715-T-TA. GRCh37 (hg19) VCF-style: chr1-200587843-T-TA.
Other names: c.-1378dup (NM_001305792.1); short protein forms L3fs.
Identifiers: ClinVar variation 2429248 (VCV002429248.4), dbSNP rs764882468, ClinGen allele CA1318107.